The following is an entry in ClinVar:

NM_000492.4(CFTR):c.1248T>C (p.Asn416=)

Genes: CFTR (CF transmembrane conductance regulator; plus strand), CFTR-AS1 (CFTR antisense RNA 1; minus strand). Cytogenetic location: 7q31.2.
Variant type: single nucleotide variant.
Coding change: c.1248T>C on transcript NM_000492.4 (MANE Select); coding-DNA position 1248, T replaced by C.
Protein change: p.Asn416=; no amino-acid change (asparagine 416 retained).
Molecular consequence: synonymous variant.
Genome position (GRCh38, 1-based): chr7:117,548,679, T>C. VCF-style: chr7-117548679-T-C. GRCh37 (hg19) VCF-style: chr7-117188733-T-C.
Identifiers: ClinVar variation 1760102 (VCV001760102.26), dbSNP rs2485046001, ClinGen allele CA457227806.

ClinVar aggregate classification (germline): Likely benign. Review status: criteria provided, multiple submitters, no conflicts (2 of 4 stars). 2 submissions from 2 submitters: Likely benign (2). Last evaluated 2022-12-01.

Conditions:
Cystic fibrosis (CF). Also called: MUCOVISCIDOSIS. Identifiers: Orphanet 586, MedGen C0010674, MONDO:0009061, OMIM 219700. Disease mechanism: loss of function.

Submissions (2):

CeGaT Center for Human Genetics Tuebingen
Classification: Likely benign. Last evaluated: 2022-12-01. Review status: criteria provided, single submitter. Criteria: CeGaT Center For Human Genetics Tuebingen Variant Classification Criteria Version 2. Collection method: clinical testing. Allele origin: germline. Affected: yes. Observed: 1 variant allele.
Comment: CFTR: PM2:Supporting, BP4, BP7

Ambry Genetics
Classification: Likely benign for Cystic fibrosis. Last evaluated: 2020-09-28. Review status: criteria provided, single submitter. Criteria: Ambry Variant Classification Scheme 2023. Collection method: clinical testing. Allele origin: germline.